The following is an entry in ClinVar:

NM_003001.5(SDHC):c.301G>A (p.Glu101Lys)

Gene: SDHC (succinate dehydrogenase complex subunit C; plus strand). Cytogenetic location: 1q23.3.
Variant type: single nucleotide variant.
Coding change: c.301G>A on transcript NM_003001.5 (MANE Select); coding-DNA position 301, G replaced by A.
Protein change: p.Glu101Lys; replaces glutamic acid 101 with lysine.
Molecular consequence: missense variant. On other transcripts: non-coding transcript variant (1), intron variant (3).
Genome position (GRCh38, 1-based): chr1:161,356,736, G>A. VCF-style: chr1-161356736-G-A. GRCh37 (hg19) VCF-style: chr1-161326526-G-A.
Other names: c.199G>A, p.Glu67Lys (NM_001035512.3); c.142G>A, p.Glu48Lys (NM_001035513.3); c.421G>A, p.Glu141Lys (NM_001407115.1); c.244G>A, p.Glu82Lys (NM_001407116.1); c.238G>A, p.Glu80Lys (NM_001407117.1); c.193G>A, p.Glu65Lys (NM_001407118.1); c.190G>A, p.Glu64Lys (NM_001407119.1, NM_001407120.1); c.242-5593G>A (NM_001035511.3); and 2 more; short protein forms E48K, E101K, E67K, E65K, E82K, E141K, E64K, E80K.
Identifiers: ClinVar variation 655736 (VCV000655736.9), dbSNP rs1571890168, ClinGen allele CA343456409.

ClinVar aggregate classification (germline): Uncertain significance (1 of 4 stars; one submission).

Conditions:
Pheochromocytoma/paraganglioma syndrome 3. Also called: SDHC-Related Hereditary Paraganglioma-Pheochromocytoma Syndrome (Paragangliomas 3); SDHC-Related Hereditary Paraganglioma-Pheochromocytoma Syndrome; GLOMUS TUMORS, FAMILIAL, 3; Paragangliomas 3. Identifiers: Orphanet 29072, MedGen C1854336, MONDO:0011544, OMIM 605373.
Gastrointestinal stromal tumor. Also called: Gastrointestinal stromal tumor, somatic; Gastrointestinal stroma tumor. Identifiers: Orphanet 44890, MedGen C0238198, MeSH D046152, MONDO:0011719, OMIM 606764, HP:0100723.

Allele frequency attached by ClinVar (database versions not stated): gnomAD exomes below 0.00001.
gnomAD v4.1: 1 of 1,613,954 alleles (0.000062%); highest among the groups gnomAD compares: Non-Finnish European, 0.000085%; no homozygotes.

Submission:

Labcorp Genetics (formerly Invitae), Labcorp
Classification: Uncertain significance for Pheochromocytoma/paraganglioma syndrome 3; Gastrointestinal stromal tumor. Last evaluated: 2019-11-22. Review status: criteria provided, single submitter. Criteria: Invitae Variant Classification Sherloc (09022015). Collection method: clinical testing. Allele origin: germline.
Comment: In summary, the available evidence is currently insufficient to determine the role of this variant in disease. Therefore, it has been classified as a Variant of Uncertain Significance. Algorithms developed to predict the effect of missense changes on protein structure and function (SIFT, PolyPhen-2, Align-GVGD) all suggest that this variant is likely to be tolerated, but these predictions have not been confirmed by published functional studies and their clinical significance is uncertain. This variant has not been reported in the literature in individuals with SDHC-related disease. This variant is not present in population databases (ExAC no frequency). This sequence change replaces glutamic acid with lysine at codon 101 of the SDHC protein (p.Glu101Lys). The glutamic acid residue is weakly conserved and there is a small physicochemical difference between glutamic acid and lysine.